The following is an entry in ClinVar:

ClinVar aggregate classification (germline): Uncertain significance (1 of 4 stars; one submission).

Submission:

Labcorp Genetics (formerly Invitae), Labcorp
Classification: Uncertain significance. Last evaluated: 2022-09-03. Review status: criteria provided, single submitter. Criteria: Invitae Variant Classification Sherloc (09022015). Collection method: clinical testing. Allele origin: germline.
Comment: In summary, the available evidence is currently insufficient to determine the role of this variant in disease. Therefore, it has been classified as a Variant of Uncertain Significance. Algorithms developed to predict the effect of missense changes on protein structure and function are either unavailable or do not agree on the potential impact of this missense change (SIFT: "Deleterious"; PolyPhen-2: "Probably Damaging"; Align-GVGD: "Class C15"). This variant has not been reported in the literature in individuals affected with MRPS2-related conditions. This variant is not present in population databases (gnomAD no frequency). This sequence change replaces asparagine, which is neutral and polar, with tyrosine, which is neutral and polar, at codon 239 of the MRPS2 protein (p.Asn239Tyr).

NM_016034.5(MRPS2):c.715A>T (p.Asn239Tyr)

Genes: MRPS2 (mitochondrial ribosomal protein S2; plus strand), LOC101928525 (uncharacterized LOC101928525; minus strand). Cytogenetic location: 9q34.3.
Variant type: single nucleotide variant.
Coding change: c.715A>T on transcript NM_016034.5 (MANE Select); coding-DNA position 715, A replaced by T.
Protein change: p.Asn239Tyr; replaces asparagine 239 with tyrosine.
Molecular consequence: missense variant. On other transcripts: non-coding transcript variant (4).
Genome position (GRCh38, 1-based): chr9:135,503,957, A>T. VCF-style: chr9-135503957-A-T. GRCh37 (hg19) VCF-style: chr9-138395803-A-T.
Other names: c.715A>T, p.Asn239Tyr (NM_001371401.1); short protein forms N239Y.
Identifiers: ClinVar variation 2001428 (VCV002001428.3), dbSNP rs2490479001, ClinGen allele CA375485404.
Genomic context (GRCh38, chr9:135,503,957, plus strand): 5'-ACAGTGGGCATCGTGGACACCAACTGCAACCCCTGCCTCATCACCTACCCTGTACCCGGC[A>T]ATGACGACTCTCCGCTGGCTGTGCACCTCTACTGCAGGCTCTTCCAGACGGCCATCACCC-3'
Protein context (NP_057118.1, residues 229-249): PCLITYPVPG[Asn239Tyr]DDSPLAVHLY